The following is an entry in ClinVar:

ClinVar aggregate classification (germline): Uncertain significance (1 of 4 stars; one submission).

Submission:

GeneDx
Classification: Uncertain significance. Last evaluated: 2024-04-29. Review status: criteria provided, single submitter. Criteria: GeneDx Variant Classification Process June 2021. Collection method: clinical testing. Allele origin: germline. Affected: yes.
Comment: Not observed at significant frequency in large population cohorts (gnomAD); In silico analysis indicates that this missense variant does not alter protein structure/function; Has not been previously published as pathogenic or benign to our knowledge

NM_014363.6(SACS):c.13376C>T (p.Ser4459Leu)

Gene: SACS (sacsin molecular chaperone; minus strand). Cytogenetic location: 13q12.12.
Variant type: single nucleotide variant.
Coding change: c.13376C>T on transcript NM_014363.6 (MANE Select); coding-DNA position 13376, C replaced by T.
Protein change: p.Ser4459Leu; replaces serine 4459 with leucine.
Molecular consequence: missense variant.
Genome position (GRCh38, 1-based): chr13:23,330,500, G>A on the plus strand (C>T on the coding strand, the complement: SACS is on the minus strand). VCF-style: chr13-23330500-G-A. GRCh37 (hg19) VCF-style: chr13-23904639-G-A.
Other names: c.12935C>T, p.Ser4312Leu (NM_001278055.2); short protein forms S4312L, S4459L.
Identifiers: ClinVar variation 3372821 (VCV003372821.1).